The following is an entry in ClinVar:

NM_015909.4(NBAS):c.3135-223_3169del

Gene: NBAS (NBAS subunit of NRZ tethering complex; minus strand). Cytogenetic location: 2p24.3.
Variant type: Deletion.
Coding change: c.3135-223_3169del on transcript NM_015909.4 (MANE Select); 223 bases into the intron before coding-DNA position 3135 through coding-DNA position 3169, 258 bases deleted.
Molecular consequence: splice acceptor variant.
Genome position (GRCh38, 1-based): chr2:15,394,315-15,394,572, 258 bases deleted. GRCh37 (hg19): chr2:15,534,439-15,534,696.
Identifiers: ClinVar variation 2105539 (VCV002105539.4), dbSNP rs2528863416, ClinGen allele CA2580063632.

ClinVar aggregate classification (germline): Likely pathogenic (1 of 4 stars; one submission).

Submission:

Labcorp Genetics (formerly Invitae), Labcorp
Classification: Likely pathogenic. Last evaluated: 2022-03-01. Review status: criteria provided, single submitter. Criteria: Invitae Variant Classification Sherloc (09022015). Collection method: clinical testing. Allele origin: germline.
Comment: In summary, the currently available evidence indicates that the variant is pathogenic, but additional data are needed to prove that conclusively. Therefore, this variant has been classified as Likely Pathogenic. Algorithms developed to predict the effect of sequence changes on RNA splicing suggest that this variant may disrupt the consensus splice site. This variant has not been reported in the literature in individuals affected with NBAS-related conditions. This variant is not present in population databases (gnomAD no frequency). This variant results in the deletion of part of exon 28 (c.3135-223_3169del) of the NBAS gene. It is expected to disrupt RNA splicing. Variants that disrupt the donor or acceptor splice site typically lead to a loss of protein function (PMID: 16199547), and loss-of-function variants in NBAS are known to be pathogenic (PMID: 26073778, 26541327, 27789416, 28031453).

Literature cited by the submitters: PubMed 16199547; PubMed 26073778; PubMed 26541327; PubMed 27789416; PubMed 28031453.